The following is an entry in ClinVar:

NM_004104.5(FASN):c.820C>T (p.Arg274Cys)

Gene: FASN (fatty acid synthase; minus strand). Cytogenetic location: 17q25.3.
Variant type: single nucleotide variant.
Coding change: c.820C>T on transcript NM_004104.5 (MANE Select); coding-DNA position 820, C replaced by T.
Protein change: p.Arg274Cys; replaces arginine 274 with cysteine.
Molecular consequence: missense variant.
Genome position (GRCh38, 1-based): chr17:82,092,771, G>A on the plus strand (C>T on the coding strand, the complement: FASN is on the minus strand). VCF-style: chr17-82092771-G-A. GRCh37 (hg19) VCF-style: chr17-80050647-G-A.
Other names: short protein forms R274C.
Identifiers: ClinVar variation 531031 (VCV000531031.9), dbSNP rs562846615, ClinGen allele CA8853373.

ClinVar aggregate classification (germline): Uncertain significance. Review status: criteria provided, single submitter (1 of 4 stars). 2 submissions from 2 submitters: Uncertain significance (1). 1 of the submissions does not count toward it. Last evaluated 2023-01-31.

Conditions:
Epileptic encephalopathy. Identifiers: MedGen C0543888, HP:0200134.
FASN-related disorder. Also called: FASN-related condition.

Allele frequency attached by ClinVar (database versions not stated): 1000 Genomes Project 0.00040; ExAC 0.00010; 1000 Genomes Project 30x 0.00016; TOPMed 0.00001.
gnomAD v4.1: 53 of 1,605,468 alleles (0.0033%); highest among the groups gnomAD compares: South Asian, 0.013%; no homozygotes.

Submissions (2):

Labcorp Genetics (formerly Invitae), Labcorp
Classification: Uncertain significance for Epileptic encephalopathy. Last evaluated: 2023-01-31. Review status: criteria provided, single submitter. Criteria: Invitae Variant Classification Sherloc (09022015). Collection method: clinical testing. Allele origin: germline.
Comment: This sequence change replaces arginine, which is basic and polar, with cysteine, which is neutral and slightly polar, at codon 274 of the FASN protein (p.Arg274Cys). The frequency data for this variant in the population databases is considered unreliable, as metrics indicate poor data quality at this position in the gnomAD database. This variant has not been reported in the literature in individuals affected with FASN-related conditions. ClinVar contains an entry for this variant (Variation ID: 531031). Algorithms developed to predict the effect of missense changes on protein structure and function output the following: SIFT: "Tolerated"; PolyPhen-2: "Benign"; Align-GVGD: "Class C0". The cysteine amino acid residue is found in multiple mammalian species, which suggests that this missense change does not adversely affect protein function. In summary, the available evidence is currently insufficient to determine the role of this variant in disease. Therefore, it has been classified as a Variant of Uncertain Significance.

PreventionGenetics, part of Exact Sciences
Classification: Likely benign for FASN-related condition. Last evaluated: 2024-02-22. Review status: no assertion criteria provided. Collection method: clinical testing. Allele origin: germline. Not counted in ClinVar's aggregate classification.
Comment: This variant is classified as likely benign based on ACMG/AMP sequence variant interpretation guidelines (Richards et al. 2015 PMID: 25741868, with internal and published modifications).